The following is an entry in ClinVar:

NM_005068.3(SIM1):c.1989G>A (p.Ser663=)

Gene: SIM1 (SIM bHLH transcription factor 1; minus strand). Cytogenetic location: 6q16.3.
Variant type: single nucleotide variant.
Coding change: c.1989G>A on transcript NM_005068.3 (MANE Select); coding-DNA position 1989, G replaced by A.
Protein change: p.Ser663=; no amino-acid change (serine 663 retained).
Molecular consequence: synonymous variant.
Genome position (GRCh38, 1-based): chr6:100,390,673, C>T on the plus strand (G>A on the coding strand, the complement: SIM1 is on the minus strand). VCF-style: chr6-100390673-C-T. GRCh37 (hg19) VCF-style: chr6-100838549-C-T.
Other names: c.1989G>A, p.Ser663= (NM_001374769.1).
Identifiers: ClinVar variation 733656 (VCV000733656.8), dbSNP rs151274826, ClinGen allele CA3936901.

ClinVar aggregate classification (germline): Likely benign. Review status: criteria provided, single submitter (1 of 4 stars). 2 submissions from 2 submitters: Likely benign (1). 1 of the submissions does not count toward it. Last evaluated 2025-06-25.

Conditions:
SIM1-related disorder. Also called: SIM1-related condition; SIM1-related disorders.

Allele frequency attached by ClinVar (database versions not stated): ExAC 0.00004; gnomAD exomes 0.00006; ESP Exome Variant Server 0.00008; gnomAD 0.00013 and 0.00014; TOPMed 0.00014.
gnomAD v4.1: 102 of 1,613,942 alleles (0.0063%); highest among the groups gnomAD compares: African/African-American, 0.039%; 1 homozygote.

Submissions (2):

Labcorp Genetics (formerly Invitae), Labcorp
Classification: Likely benign. Last evaluated: 2025-06-25. Review status: criteria provided, single submitter. Criteria: Invitae Variant Classification Sherloc (09022015). Collection method: clinical testing. Allele origin: germline.

PreventionGenetics, part of Exact Sciences
Classification: Likely benign for SIM1-related condition. Last evaluated: 2020-11-24. Review status: no assertion criteria provided. Collection method: clinical testing. Allele origin: germline. Not counted in ClinVar's aggregate classification.
Comment: This variant is classified as likely benign based on ACMG/AMP sequence variant interpretation guidelines (Richards et al. 2015 PMID: 25741868, with internal and published modifications).